The following is an entry in ClinVar:

ClinVar aggregate classification (germline): Pathogenic (1 of 4 stars; one submission).

Conditions:
Epilepsy, familial focal, with variable foci 3 (FFEVF3). Identifiers: MedGen C4310708, MONDO:0014925, OMIM 617118.

Submission:

Labcorp Genetics (formerly Invitae), Labcorp
Classification: Pathogenic for Epilepsy, familial focal, with variable foci 3. Last evaluated: 2023-12-22. Review status: criteria provided, single submitter. Criteria: Invitae Variant Classification Sherloc (09022015). Collection method: clinical testing. Allele origin: germline.
Comment: This sequence change creates a premature translational stop signal (p.Leu490Cysfs*64) in the NPRL3 gene. While this is not anticipated to result in nonsense mediated decay, it is expected to disrupt the last 80 amino acid(s) of the NPRL3 protein. This variant is present in population databases (no rsID available, gnomAD 0.007%). This variant has not been reported in the literature in individuals affected with NPRL3-related conditions. This variant disrupts a region of the NPRL3 protein in which other variant(s) (p.Glu508Argfs*46) have been determined to be pathogenic (PMID: 26786403; Invitae). This suggests that this is a clinically significant region of the protein, and that variants that disrupt it are likely to be disease-causing. For these reasons, this variant has been classified as Pathogenic.

Literature cited by the submitters: PubMed 26786403.

NM_001039476.2(NPRL3):c.931=

Gene: NPRL3 (NPR3 like, GATOR1 complex subunit; minus strand). Cytogenetic location: 16p13.3.
Variant type: Variation.
Coding change: c.931= on transcript NM_001039476.2; coding-DNA position 931, no change from the reference sequence.
Other names: c.1468= (NM_001077350.2); c.1234= (NM_001243247.1); c.1393= (NM_001243248.1, NM_001243249.1).
Identifiers: ClinVar variation 2042400 (VCV002042400.3).